The following is an entry in ClinVar:

ClinVar aggregate classification (germline): Likely pathogenic (1 of 4 stars; one submission).

Submission:

Labcorp Genetics (formerly Invitae), Labcorp
Classification: Likely pathogenic. Last evaluated: 2023-10-13. Review status: criteria provided, single submitter. Criteria: Invitae Variant Classification Sherloc (09022015). Collection method: clinical testing. Allele origin: germline.
Comment: This variant results in a copy number gain of the genomic region encompassing exon(s) 1-4 of the FGF12 gene. This region includes the initiator codon of the gene. This copy number gain extends beyond the assayed region for this gene and therefore may encompass additional genes. As the precise location of this event is unknown, it may be in tandem or it may be located elsewhere in the genome. A similar copy number variant has been observed in individual(s) with epileptic encephalopathy (PMID: 28144627, 32802954). In at least one individual the variant was observed to be de novo. In summary, the currently available evidence indicates that the variant is pathogenic, but additional data are needed to prove that conclusively. Therefore, this variant has been classified as Likely Pathogenic.

Literature cited by the submitters: PubMed 28144627; PubMed 32802954.

NC_000003.11:g.(?_191888227)_(192126012_?)dup

Gene: FGF12 (fibroblast growth factor 12; minus strand). Cytogenetic location: 3q28.
Variant type: Duplication.
Identifiers: ClinVar variation 1523399 (VCV001523399.5).